The following is an entry in ClinVar:

ClinVar aggregate classification (germline): Uncertain significance. Review status: criteria provided, multiple submitters, no conflicts (2 of 4 stars). 2 submissions from 2 submitters: Uncertain significance (2). Last evaluated 2024-10-23.

Allele frequency attached by ClinVar (database versions not stated): gnomAD exomes 0.00001 and 0.00002; ExAC 0.00002.
gnomAD v4.1: 10 of 1,610,856 alleles (0.00062%); highest among the groups gnomAD compares: Non-Finnish European, 0.00085%; no homozygotes.

Submissions (2):

Labcorp Genetics (formerly Invitae), Labcorp
Classification: Uncertain significance. Last evaluated: 2024-10-23. Review status: criteria provided, single submitter. Criteria: Invitae Variant Classification Sherloc (09022015). Collection method: clinical testing. Allele origin: germline.
Comment: This sequence change replaces asparagine, which is neutral and polar, with serine, which is neutral and polar, at codon 530 of the SEMA4A protein (p.Asn530Ser). This variant is present in population databases (rs761472029, gnomAD 0.004%). This variant has not been reported in the literature in individuals affected with SEMA4A-related conditions. ClinVar contains an entry for this variant (Variation ID: 964082). Invitae Evidence Modeling of protein sequence and biophysical properties (such as structural, functional, and spatial information, amino acid conservation, physicochemical variation, residue mobility, and thermodynamic stability) indicates that this missense variant is not expected to disrupt SEMA4A protein function with a negative predictive value of 80%. In summary, the available evidence is currently insufficient to determine the role of this variant in disease. Therefore, it has been classified as a Variant of Uncertain Significance.

Blueprint Genetics
Classification: Uncertain significance. Last evaluated: 2022-05-02. Review status: criteria provided, single submitter. Criteria: ACMG Guidelines, 2015. Collection method: clinical testing. Allele origin: germline.

NM_022367.4(SEMA4A):c.1589A>G (p.Asn530Ser)

Gene: SEMA4A (semaphorin 4A; plus strand). Cytogenetic location: 1q22.
Variant type: single nucleotide variant.
Coding change: c.1589A>G on transcript NM_022367.4 (MANE Select); coding-DNA position 1589, A replaced by G.
Protein change: p.Asn530Ser; replaces asparagine 530 with serine.
Molecular consequence: missense variant.
Genome position (GRCh38, 1-based): chr1:156,175,240, A>G. VCF-style: chr1-156175240-A-G. GRCh37 (hg19) VCF-style: chr1-156145031-A-G.
Other names: c.1589A>G, p.Asn530Ser (NM_001193300.2, NM_001193301.2, NM_001370567.1); c.1193A>G, p.Asn398Ser (NM_001193302.2); c.1292A>G, p.Asn431Ser (NM_001370568.1); c.1082A>G, p.Asn361Ser (NM_001370569.1, NM_001370571.1); short protein forms N361S, N398S, N431S, N530S.
Identifiers: ClinVar variation 964082 (VCV000964082.10), dbSNP rs761472029, ClinGen allele CA1155397.